The following is an entry in ClinVar:

ClinVar aggregate classification (germline): Uncertain significance (1 of 4 stars; one submission).

gnomAD v4.1: 3 of 1,614,064 alleles (0.00019%); highest among the groups gnomAD compares: Non-Finnish European, 0.00025%; no homozygotes.

Submission:

Ambry Genetics
Classification: Uncertain significance. Last evaluated: 2025-04-24. Review status: criteria provided, single submitter. Criteria: Ambry Variant Classification Scheme 2023. Collection method: clinical testing. Allele origin: germline.
Comment: The p.R1427P variant (also known as c.4280G>C), located in coding exon 39 of the KIF1B gene, results from a G to C substitution at nucleotide position 4280. The arginine at codon 1427 is replaced by proline, an amino acid with dissimilar properties. This amino acid position is conserved. In addition, this alteration is predicted to be deleterious by in silico analysis. Based on the available evidence, the clinical significance of this variant remains unclear.

NM_001365951.3(KIF1B):c.4418G>C (p.Arg1473Pro)

Gene: KIF1B (kinesin family member 1B; plus strand). Cytogenetic location: 1p36.22.
Variant type: single nucleotide variant.
Coding change: c.4418G>C on transcript NM_001365951.3 (MANE Select); coding-DNA position 4418, G replaced by C.
Protein change: p.Arg1473Pro; replaces arginine 1473 with proline.
Molecular consequence: missense variant.
Genome position (GRCh38, 1-based): chr1:10,365,151, G>C. VCF-style: chr1-10365151-G-C. GRCh37 (hg19) VCF-style: chr1-10425209-G-C.
Other names: c.4418G>C, p.Arg1473Pro (NM_001365952.1); c.4280G>C, p.Arg1427Pro (NM_015074.3); short protein forms R1473P, R1427P.
Identifiers: ClinVar variation 4043027 (VCV004043027.1).